The following is an entry in ClinVar:

NM_001160372.4(TRAPPC9):c.555G>A (p.Lys185=)

Gene: TRAPPC9 (trafficking protein particle complex subunit 9; minus strand). Cytogenetic location: 8q24.3.
Variant type: single nucleotide variant.
Coding change: c.555G>A on transcript NM_001160372.4 (MANE Select); coding-DNA position 555, G replaced by A.
Protein change: p.Lys185=; no amino-acid change (lysine 185 retained).
Molecular consequence: synonymous variant. On other transcripts: non-coding transcript variant (1).
Genome position (GRCh38, 1-based): chr8:140,450,819, C>T on the plus strand (G>A on the coding strand, the complement: TRAPPC9 is on the minus strand). VCF-style: chr8-140450819-C-T. GRCh37 (hg19) VCF-style: chr8-141460918-C-T.
Other names: c.555G>A, p.Lys185= (NM_001321646.2, NM_001374682.1, NM_001374683.1 and 2 more transcripts).
Identifiers: ClinVar variation 130642 (VCV000130642.31), dbSNP rs57593250, ClinGen allele CA155812.

ClinVar aggregate classification (germline): Benign/Likely benign. Review status: criteria provided, multiple submitters, no conflicts (2 of 4 stars). 8 submissions from 8 submitters: Benign (4); Likely benign (1). 3 of the submissions do not count toward it. Last evaluated 2026-02-03.

Conditions:
Inborn genetic diseases. Identifiers: MedGen C0950123, MeSH D030342.

Allele frequency attached by ClinVar (database versions not stated): 1000 Genomes Project 0.06410; 1000 Genomes Project 30x 0.06621; gnomAD exomes 0.07009 and 0.07973; gnomAD 0.08546 and 0.08881; ExAC 0.09117; TOPMed 0.09123; ESP Exome Variant Server 0.09134.
gnomAD v4.1: 129,523 of 1,611,570 alleles (8%); highest among the groups gnomAD compares: African/African-American, 11%; 5,701 homozygotes.

Submissions (8):

Labcorp Genetics (formerly Invitae), Labcorp
Classification: Benign. Last evaluated: 2026-02-03. Review status: criteria provided, single submitter. Criteria: Invitae Variant Classification Sherloc (09022015). Collection method: clinical testing. Allele origin: germline.

Blueprint Genetics
Classification: Benign. Last evaluated: 2024-11-27. Review status: criteria provided, single submitter. Criteria: ACMG Guidelines, 2015. Collection method: clinical testing. Allele origin: germline.

GeneDx
Classification: Benign. Last evaluated: 2018-07-09. Review status: criteria provided, single submitter. Criteria: GeneDx Variant Classification Process June 2021. Collection method: clinical testing. Allele origin: germline. Affected: yes.

Ambry Genetics
Classification: Benign for Inborn genetic diseases. Last evaluated: 2016-04-14. Review status: criteria provided, single submitter. Criteria: Ambry Variant Classification Scheme 2023. Collection method: clinical testing. Allele origin: germline.

Breakthrough Genomics
Classification: Likely benign. Review status: criteria provided, single submitter. Criteria: ACMG Guidelines, 2015. Collection method: not provided. Allele origin: germline. Inheritance: Autosomal recessive inheritance. Affected: yes.

Diagnostic Laboratory, Department of Genetics, University Medical Center Groningen
Classification: Benign. Review status: no assertion criteria provided. Collection method: clinical testing. Allele origin: germline. Affected: yes. Study: VKGL Data-share Consensus. Not counted in ClinVar's aggregate classification.

Genetic Services Laboratory, University of Chicago
Classification: Likely benign for AllHighlyPenetrant. Review status: no assertion criteria provided. Collection method: clinical testing. Allele origin: germline. Inheritance: Autosomal recessive inheritance. Not counted in ClinVar's aggregate classification.
Comment: Likely benign based on allele frequency in 1000 Genomes Project or ESP global frequency and its presence in a patient with a rare or unrelated disease phenotype. NOT Sanger confirmed.

Joint Genome Diagnostic Labs from Nijmegen and Maastricht, Radboudumc and MUMC+
Classification: Benign. Review status: no assertion criteria provided. Collection method: clinical testing. Allele origin: germline. Affected: yes. Study: VKGL Data-share Consensus. Not counted in ClinVar's aggregate classification.